The following is an entry in ClinVar:

NM_014283.5(SUCO):c.2830C>T (p.Arg944Ter)

Gene: SUCO (SUN domain containing ossification factor; plus strand). Cytogenetic location: 1q24.3.
Variant type: single nucleotide variant.
Coding change: c.2830C>T on transcript NM_014283.5 (MANE Select); coding-DNA position 2830, C replaced by T.
Protein change: p.Arg944Ter; replaces arginine 944 with a stop codon.
Molecular consequence: nonsense.
Genome position (GRCh38, 1-based): chr1:172,590,988, C>T. VCF-style: chr1-172590988-C-T. GRCh37 (hg19) VCF-style: chr1-172560128-C-T.
Other names: c.1717C>T, p.Arg573Ter (NM_001282750.2); c.1141C>T, p.Arg381Ter (NM_001282751.2); c.3283C>T, p.Arg1095Ter (NM_016227.4); short protein forms R1095*, R381*, R573*, R944*.
Identifiers: ClinVar variation 4803735 (VCV004803735.1).

ClinVar aggregate classification (germline): Uncertain significance (1 of 4 stars; one submission).

Submission:

Labcorp Genetics (formerly Invitae), Labcorp
Classification: Uncertain significance. Last evaluated: 2025-12-19. Review status: criteria provided, single submitter. Criteria: Invitae Variant Classification Sherloc (09022015). Collection method: clinical testing. Allele origin: germline.
Comment: This sequence change creates a premature translational stop signal (p.Arg944*) in the SUCO gene. It is expected to result in an absent or disrupted protein product. However, the current clinical and genetic evidence is not sufficient to establish whether loss-of-function variants in SUCO cause disease. This variant is present in population databases (rs761871409, gnomAD 0.002%). This variant has not been reported in the literature in individuals affected with SUCO-related conditions. In summary, the available evidence is currently insufficient to determine the role of this variant in disease. Therefore, it has been classified as a Variant of Uncertain Significance.